The following is an entry in ClinVar:

ClinVar aggregate classification (germline): Likely pathogenic (1 of 4 stars; one submission).

Conditions:
Dilated cardiomyopathy 1G (CMD1G). Identifiers: Orphanet 154, MedGen C1858763, MONDO:0011400, OMIM 604145.
Autosomal recessive limb-girdle muscular dystrophy type 2J (LGMDR10). Also called: MUSCULAR DYSTROPHY, LIMB-GIRDLE, AUTOSOMAL RECESSIVE 10; Limb-girdle muscular dystrophy, type 2J. Identifiers: Orphanet 140922, MedGen C1837342, MONDO:0012127, OMIM 608807.

Submission:

Labcorp Genetics (formerly Invitae), Labcorp
Classification: Likely pathogenic for Dilated cardiomyopathy 1G; Autosomal recessive limb-girdle muscular dystrophy type 2J. Last evaluated: 2024-10-31. Review status: criteria provided, single submitter. Criteria: Invitae Variant Classification Sherloc (09022015). Collection method: clinical testing. Allele origin: germline.
Comment: This sequence change creates a premature translational stop signal (p.Ile27034*) in the TTN gene. While this is not anticipated to result in nonsense mediated decay, it is expected to create a truncated TTN protein. This variant is not present in population databases (gnomAD no frequency). This variant has not been reported in the literature in individuals affected with TTN-related conditions. ClinVar contains an entry for this variant (Variation ID: 1474559). This variant is located in the A band of TTN (PMID: 25589632). Truncating variants in this region are significantly overrepresented in patients affected with dilated cardiomyopathy (PMID: 25589632). Truncating variants in this region have also been reported in individuals affected with autosomal recessive centronuclear myopathy (PMID: 23975875). In summary, the currently available evidence indicates that the variant is pathogenic, but additional data are needed to prove that conclusively. Therefore, this variant has been classified as Likely Pathogenic.

Literature cited by the submitters: PubMed 25589632; PubMed 23975875.

NM_001267550.2(TTN):c.81096del (p.Lys27033_Ile27034insTer)

Genes: TTN-AS1 (TTN antisense RNA 1; plus strand), TTN (titin; minus strand). Cytogenetic location: 2q31.2.
Variant type: Deletion.
Coding change: c.81096del on transcript NM_001267550.2 (MANE Select); coding-DNA position 81096, one base deleted (T; older notation c.81096delT).
Protein change: p.Lys27033_Ile27034insTer.
Molecular consequence: frameshift variant.
Genome position (GRCh38, 1-based): chr2:178,565,036, A deleted on the plus strand (T on the coding strand, the reverse complement: TTN is on the minus strand); the first of 2 consecutive A bases (chr2:178,565,036-178,565,037); deleting either gives the same sequence. VCF-style (leftmost placement, unchanged base first): chr2-178565035-TA-T. GRCh37 (hg19) VCF-style: chr2-179429762-TA-T.
Other names: c.76173del, p.Lys25392_Ile25393insTer (NM_001256850.1); c.53901del, p.Lys17968_Ile17969insTer (NM_003319.4); c.73392del, p.Lys24465_Ile24466insTer (NM_133378.4); c.54276del, p.Lys18093_Ile18094insTer (NM_133432.3); c.54477del, p.Lys18160_Ile18161insTer (NM_133437.4).
Identifiers: ClinVar variation 1474559 (VCV001474559.6), dbSNP rs2154163856, ClinGen allele CA2573134156.